The following is an entry in ClinVar:

NM_000313.4(PROS1):c.850-1G>A

Gene: PROS1 (protein S; minus strand). Cytogenetic location: 3q11.1.
Variant type: single nucleotide variant.
Coding change: c.850-1G>A on transcript NM_000313.4 (MANE Select); the canonical splice acceptor site of the intron before coding-DNA position 850, G replaced by A.
Molecular consequence: splice acceptor variant.
Genome position (GRCh38, 1-based): chr3:93,896,692, C>T on the plus strand (G>A on the coding strand, the complement: PROS1 is on the minus strand). VCF-style: chr3-93896692-C-T. GRCh37 (hg19) VCF-style: chr3-93615536-C-T.
Other names: c.946-1G>A (NM_001314077.2).
Identifiers: ClinVar variation 4540901 (VCV004540901.1).

ClinVar aggregate classification (germline): Likely pathogenic (1 of 4 stars; one submission).

Submission:

Mayo Clinic Laboratories, Mayo Clinic
Classification: Likely pathogenic. Last evaluated: 2025-10-07. Review status: criteria provided, single submitter. Criteria: ACMG Guidelines, 2015. Collection method: clinical testing. Allele origin: germline. Observed: 1 variant allele.
Comment: PM2_supporting, PVS1

Literature cited by the submitters: PubMed 26466767; PubMed 33537542.